The following is an entry in ClinVar:

NM_000535.7(PMS2):c.1307G>A (p.Ser436Asn)

Gene: PMS2 (PMS1 homolog 2, mismatch repair system component; minus strand). Cytogenetic location: 7p22.1.
Variant type: single nucleotide variant.
Coding change: c.1307G>A on transcript NM_000535.7 (MANE Select); coding-DNA position 1307, G replaced by A.
Protein change: p.Ser436Asn; replaces serine 436 with asparagine.
Molecular consequence: missense variant. On other transcripts: non-coding transcript variant (1).
Genome position (GRCh38, 1-based): chr7:5,987,458, C>T on the plus strand (G>A on the coding strand, the complement: PMS2 is on the minus strand). VCF-style: chr7-5987458-C-T. GRCh37 (hg19) VCF-style: chr7-6027089-C-T.
Other names: c.902G>A, p.Ser301Asn (NM_001322003.2, NM_001322004.2, NM_001322005.2 and 1 more transcripts); c.1151G>A, p.Ser384Asn (NM_001322006.2); c.989G>A, p.Ser330Asn (NM_001322007.2, NM_001322008.2); c.746G>A, p.Ser249Asn (NM_001322010.2); c.374G>A, p.Ser125Asn (NM_001322011.2, NM_001322012.2); c.734G>A, p.Ser245Asn (NM_001322013.2); c.1307G>A, p.Ser436Asn (NM_001322014.2); c.998G>A, p.Ser333Asn (NM_001322015.2); short protein forms S436N, S245N, S301N, S384N, S330N, S249N, S333N, S125N.
Identifiers: ClinVar variation 230194 (VCV000230194.14), dbSNP rs876658441, ClinGen allele CA10578681.

ClinVar aggregate classification (germline): Uncertain significance. Review status: criteria provided, multiple submitters, no conflicts (2 of 4 stars). 2 submissions from 2 submitters: Uncertain significance (2). Last evaluated 2024-10-01.

Conditions:
Hereditary nonpolyposis colorectal neoplasms. Identifiers: MedGen C0009405, MeSH D003123.
Hereditary cancer-predisposing syndrome. Also called: Hereditary neoplastic syndrome; Hereditary Cancer Syndrome; Neoplastic Syndromes, Hereditary; Tumor predisposition. Identifiers: Orphanet 140162, MedGen C0027672, MeSH D009386, MONDO:0015356.

Submissions (2):

Labcorp Genetics (formerly Invitae), Labcorp
Classification: Uncertain significance for Hereditary nonpolyposis colorectal neoplasms. Last evaluated: 2024-10-01. Review status: criteria provided, single submitter. Criteria: Invitae Variant Classification Sherloc (09022015). Collection method: clinical testing. Allele origin: germline.
Comment: This sequence change replaces serine, which is neutral and polar, with asparagine, which is neutral and polar, at codon 436 of the PMS2 protein (p.Ser436Asn). This variant is not present in population databases (gnomAD no frequency). This variant has not been reported in the literature in individuals affected with PMS2-related conditions. ClinVar contains an entry for this variant (Variation ID: 230194). Invitae Evidence Modeling of protein sequence and biophysical properties (such as structural, functional, and spatial information, amino acid conservation, physicochemical variation, residue mobility, and thermodynamic stability) indicates that this missense variant is not expected to disrupt PMS2 protein function with a negative predictive value of 80%. In summary, the available evidence is currently insufficient to determine the role of this variant in disease. Therefore, it has been classified as a Variant of Uncertain Significance.

Ambry Genetics
Classification: Uncertain significance for Hereditary cancer-predisposing syndrome. Last evaluated: 2015-01-20. Review status: criteria provided, single submitter. Criteria: Ambry Variant Classification Scheme 2023. Collection method: clinical testing. Allele origin: germline.
Comment: The p.S436N variant (also known as c.1307G>A), located in coding exon 11 of the PMS2 gene, results from a G to A substitution at nucleotide position 1307. The serine at codon 436 is replaced by asparagine, an amino acid with highly similar properties. This variant was not reported in population based cohorts in the following databases: Database of Single Nucleotide Polymorphisms (dbSNP), NHLBI Exome Sequencing Project (ESP), and 1000 Genomes Project. In the ESP, this variant was not observed in 6500 samples (13000 alleles) with coverage at this position. To date, this alteration has been detected with an allele frequency of approximately 0.002% (greater than 40000 alleles tested) in our clinical cohort. This amino acid position is poorly conserved in available vertebrate species. In addition, this alteration is predicted to be tolerated by in silico analysis. Since supporting evidence is limited at this time, the clinical significance of p.S436N remains unclear.